The following is an entry in ClinVar:

NM_015102.5(NPHP4):c.2921C>T (p.Ala974Val)

Gene: NPHP4 (nephrocystin 4; minus strand). Cytogenetic location: 1p36.31.
Variant type: single nucleotide variant.
Coding change: c.2921C>T on transcript NM_015102.5 (MANE Select); coding-DNA position 2921, C replaced by T.
Protein change: p.Ala974Val; replaces alanine 974 with valine.
Molecular consequence: missense variant. On other transcripts: non-coding transcript variant (1).
Genome position (GRCh38, 1-based): chr1:5,874,997, G>A on the plus strand (C>T on the coding strand, the complement: NPHP4 is on the minus strand). VCF-style: chr1-5874997-G-A. GRCh37 (hg19) VCF-style: chr1-5935057-G-A.
Other names: c.1382C>T, p.Ala461Val (NM_001291593.2); c.1385C>T, p.Ala462Val (NM_001291594.2); short protein forms A461V, A462V, A974V.
Identifiers: ClinVar variation 1713601 (VCV001713601.5), dbSNP rs1470010771, ClinGen allele CA338056398.

ClinVar aggregate classification (germline): Uncertain significance (1 of 4 stars; one submission).

Conditions:
Nephronophthisis. Also called: Juvenile Nephronophthisis. Identifiers: Orphanet 655, MedGen C0687120, MONDO:0019005, HP:0000090.

Allele frequency attached by ClinVar (database versions not stated): gnomAD 0.00001.
gnomAD v4.1: 2 of 1,612,108 alleles (0.00012%); highest among the groups gnomAD compares: Admixed American, 0.0017%; no homozygotes.

Submission:

Labcorp Genetics (formerly Invitae), Labcorp
Classification: Uncertain significance for Nephronophthisis. Last evaluated: 2022-07-23. Review status: criteria provided, single submitter. Criteria: Invitae Variant Classification Sherloc (09022015). Collection method: clinical testing. Allele origin: germline.
Comment: Algorithms developed to predict the effect of missense changes on protein structure and function output the following: SIFT: "Deleterious"; PolyPhen-2: "Benign"; Align-GVGD: "Class C0". The valine amino acid residue is found in multiple mammalian species, which suggests that this missense change does not adversely affect protein function. In summary, the available evidence is currently insufficient to determine the role of this variant in disease. Therefore, it has been classified as a Variant of Uncertain Significance. This variant has not been reported in the literature in individuals affected with NPHP4-related conditions. The frequency data for this variant in the population databases is considered unreliable, as metrics indicate poor data quality at this position in the gnomAD database. This sequence change replaces alanine, which is neutral and non-polar, with valine, which is neutral and non-polar, at codon 974 of the NPHP4 protein (p.Ala974Val).